The following is an entry in ClinVar:

ClinVar aggregate classification (germline): Likely pathogenic (1 of 4 stars; one submission).

Conditions:
Developmental and epileptic encephalopathy, 69. Also called: EPILEPTIC ENCEPHALOPATHY, EARLY INFANTILE, 69. Identifiers: MedGen C4748988, MONDO:0032657, OMIM 618285.

Submission:

3billion
Classification: Likely pathogenic for Developmental and epileptic encephalopathy, 69. Last evaluated: 2025-12-15. Review status: criteria provided, single submitter. Criteria: ACMG Guidelines, 2015. Collection method: clinical testing. Allele origin: germline. Affected: yes.
Comment: The variant is not observed in the gnomAD v4.1.0 dataset. Predicted Consequence/Location: Missense variant In silico tool predictions suggest damaging effect of the variant on gene or gene product [REVEL: 0.82 (>=0.6, sensitivity 0.68 and specificity 0.92); 3Cnet: 0.84 (> 0.75, sensitivity 0.96 and precision 0.92)]. A different missense change at the same codon (p.Ile1423Thr) has been reported to be associated with CACNA1E-related disorder (ClinVar ID: VCV000986059). Therefore, this variant is classified as Likely pathogenic according to the recommendation of ACMG/AMP guideline.

NM_001205293.3(CACNA1E):c.4267A>G (p.Ile1423Val)

Gene: CACNA1E (calcium voltage-gated channel subunit alpha1 E; plus strand). Cytogenetic location: 1q25.3.
Variant type: single nucleotide variant.
Coding change: c.4267A>G on transcript NM_001205293.3 (MANE Select); coding-DNA position 4267, A replaced by G.
Protein change: p.Ile1423Val; replaces isoleucine 1423 with valine.
Molecular consequence: missense variant.
Genome position (GRCh38, 1-based): chr1:181,757,064, A>G. VCF-style: chr1-181757064-A-G. GRCh37 (hg19) VCF-style: chr1-181726200-A-G.
Other names: c.4267A>G, p.Ile1423Val (NM_000721.4); c.4210A>G, p.Ile1404Val (NM_001205294.2); short protein forms I1404V, I1423V.
Identifiers: ClinVar variation 4856147 (VCV004856147.1).